The following is an entry in ClinVar:

NM_005751.5(AKAP9):c.7219G>C (p.Glu2407Gln)

Gene: AKAP9 (A-kinase anchoring protein 9; plus strand). Cytogenetic location: 7q21.2.
Variant type: single nucleotide variant.
Coding change: c.7219G>C on transcript NM_005751.5 (MANE Select); coding-DNA position 7219, G replaced by C.
Protein change: p.Glu2407Gln; replaces glutamic acid 2407 with glutamine.
Molecular consequence: missense variant.
Genome position (GRCh38, 1-based): chr7:92,079,352, G>C. VCF-style: chr7-92079352-G-C. GRCh37 (hg19) VCF-style: chr7-91708666-G-C.
Other names: c.1864G>C, p.Glu622Gln (NM_001379277.1); c.7195G>C, p.Glu2399Gln (NM_147185.3); short protein forms E2399Q, E2407Q, E622Q.
Identifiers: ClinVar variation 2449746 (VCV002449746.2), dbSNP rs1813134631, ClinGen allele CA368135233.

ClinVar aggregate classification (germline): Uncertain significance (1 of 4 stars; one submission).

Conditions:
Cardiovascular phenotype. Identifiers: MedGen CN230736.

Allele frequency attached by ClinVar (database versions not stated): TOPMed below 0.00001; gnomAD exomes 0.00001.
gnomAD v4.1: 7 of 1,614,018 alleles (0.00043%); highest among the groups gnomAD compares: Non-Finnish European, 0.00059%; no homozygotes.

Submission:

Ambry Genetics
Classification: Uncertain significance for Cardiovascular phenotype. Last evaluated: 2022-12-21. Review status: criteria provided, single submitter. Criteria: Ambry Variant Classification Scheme 2023. Collection method: clinical testing. Allele origin: germline.
Comment: The p.E2407Q variant (also known as c.7219G>C), located in coding exon 31 of the AKAP9 gene, results from a G to C substitution at nucleotide position 7219. The glutamic acid at codon 2407 is replaced by glutamine, an amino acid with highly similar properties. This amino acid position is not well conserved in available vertebrate species. In addition, this alteration is predicted to be tolerated by in silico analysis. The evidence for this gene-disease relationship is limited; therefore, the clinical significance of this alteration is unclear.